The following is an entry in ClinVar:

ClinVar aggregate classification (germline): Uncertain significance. Review status: reviewed by expert panel (3 of 4 stars). 2 submissions from 2 submitters: Uncertain significance (1). 1 of the submissions does not count toward it. Last evaluated 2024-07-11.

Conditions:
Creatine transporter deficiency (CCDS1). Also called: Mental retardation , X-linked with seizures, short stature and midface hypoplasia; Mental retardation , X-linked, with creatine transport deficiency; X-linked creatine transporter deficiency; X-linked creatine deficiency syndrome; SLC6A8-Related Creatine Transporter Deficiency; CREATINE TRANSPORTER DEFECT. Identifiers: Orphanet 52503, MedGen C1845862, MONDO:0010305, OMIM 300352.

Submissions (2):

ClinGen Cerebral Creatine Deficiency Syndromes Variant Curation Expert Panel, ClinGen
Classification: Uncertain significance for Creatine transporter deficiency. Last evaluated: 2024-07-11. Review status: reviewed by expert panel. Criteria: ClinGen_CCDS_ACMG_Specifications_SLC6A8_v1.1. Collection method: curation. Allele origin: germline. Inheritance: X-linked inheritance.
Comment: The NM_005629.4:c.634G>A variant in SLC6A8 is a missense variant that is predicted to result in the substitution of an aspartate for lysine at amino acid 212 (p.Glu212Lys). This variant was reported to result in undetectable creatine transport activity when expressed in SLC6A8 deficient fibroblasts. A creatine concentration of 25uM was used, meeting the requirement for the assay to be carried out with less than or equal to 125uM creatine (PMID: 22281021, 23644449) (PS3_Supporting). The variant is absent in gnomAD v2.1.1. (PM2_Supporting). The computational predictor REVEL gives a score of 0.885 which is above the threshold of 0.75, evidence that correlates with impact to SLC6A8 function (PP3). There is no ClinVar entry for this variant. In summary, while there is some suspicion for a pathogenic role, this variant currently meets criteria to be classified as a variant of uncertain significance for creatine transporter deficiency. ACMG/AMP SLC6A8-specific criteria applied, as specified by the ClinGen CCDS VCEP (Specifications Version 1.2.0): PS3_Supporting, PM2_Supporting, PP3, PP4. (Classification approved by the ClinGen Cerebral Creatine Deficiency Syndromes Variant Curation Expert Panel on July 11, 2024)

GeneDx
Classification: Likely pathogenic. Last evaluated: 2025-08-04. Review status: criteria provided, single submitter. Criteria: GeneDx Variant Classification Process June 2021. Collection method: clinical testing. Allele origin: germline. Affected: yes. Not counted in ClinVar's aggregate classification.
Comment: Published functional studies found this variant is associated with impaired creatine uptake (PMID: 22281021); Not observed at significant frequency in large population cohorts (gnomAD); In silico analysis supports that this missense variant has a deleterious effect on protein structure/function; This variant is associated with the following publications: (PMID: 23644449, 22281021, 39168079)

NM_005629.4(SLC6A8):c.634G>A (p.Glu212Lys)

Gene: SLC6A8 (solute carrier family 6 member 8; plus strand). Cytogenetic location: Xq28.
Variant type: single nucleotide variant.
Coding change: c.634G>A on transcript NM_005629.4 (MANE Select); coding-DNA position 634, G replaced by A.
Protein change: p.Glu212Lys; replaces glutamic acid 212 with lysine.
Molecular consequence: missense variant.
Genome position (GRCh38, 1-based): chrX:153,691,543, G>A. VCF-style: chrX-153691543-G-A. GRCh37 (hg19) VCF-style: chrX-152956998-G-A.
Other names: NM_001142805.2:c.634G>A; c.634G>A, p.Glu212Lys (NM_001142805.2); c.289G>A, p.Glu97Lys (NM_001142806.1); short protein forms E212K, E97K.
Identifiers: ClinVar variation 2504565 (VCV002504565.2), dbSNP rs2522156636, ClinGen allele CA415079462.